The following is an entry in ClinVar:

NM_001098484.3(SLC4A4):c.2060A>G (p.Asn687Ser)

Gene: SLC4A4 (solute carrier family 4 member 4; plus strand). Cytogenetic location: 4q13.3.
Variant type: single nucleotide variant.
Coding change: c.2060A>G on transcript NM_001098484.3 (MANE Select); coding-DNA position 2060, A replaced by G.
Protein change: p.Asn687Ser; replaces asparagine 687 with serine.
Molecular consequence: missense variant.
Genome position (GRCh38, 1-based): chr4:71,497,586, A>G. VCF-style: chr4-71497586-A-G. GRCh37 (hg19) VCF-style: chr4-72363303-A-G.
Other names: c.2060A>G, p.Asn687Ser (NM_001134742.2); c.1928A>G, p.Asn643Ser (NM_003759.4); short protein forms N687S, N643S.
Identifiers: ClinVar variation 1914693 (VCV001914693.7), dbSNP rs775824815, ClinGen allele CA2955006.
Genomic context (GRCh38, chr4:71,497,586, plus strand): 5'-CATTTTTGTCGAAGAAGGAGTGTTCAAAATACGGAGGAAACCTCGTCGGGAACAACTGTA[A>G]TTTTGTTCCTGATATCACACTCATGTCTTTTATCCTCTTCTTGGGAACCTACACCTCTTC-3'
Protein context (NP_001091954.1, residues 677-697): YGGNLVGNNC[Asn687Ser]FVPDITLMSF

ClinVar aggregate classification (germline): Uncertain significance. Review status: criteria provided, multiple submitters, no conflicts (2 of 4 stars). 3 submissions from 3 submitters: Uncertain significance (3). Last evaluated 2025-03-27.

Conditions:
Inborn genetic diseases. Identifiers: MedGen C0950123, MeSH D030342.
Autosomal recessive proximal renal tubular acidosis (PRTAO). Also called: RENAL TUBULAR ACIDOSIS, PROXIMAL, WITH OCULAR ABNORMALITIES AND MENTAL RETARDATION; RENAL TUBULAR ACIDOSIS, PROXIMAL, WITH OCULAR ABNORMALITIES AND IMPAIRED INTELLECTUAL DEVELOPMENT; RTA, PROXIMAL, AUTOSOMAL RECESSIVE; PROXIMAL RENAL TUBULAR ACIDOSIS-OCULAR ANOMALY SYNDROME. Identifiers: Orphanet 93607, MedGen C1970309, MONDO:0011422, OMIM 604278.

Allele frequency attached by ClinVar (database versions not stated): ExAC 0.00006; TOPMed 0.00006; gnomAD 0.00007.
gnomAD v4.1: 174 of 1,613,252 alleles (0.011%); highest among the groups gnomAD compares: Non-Finnish European, 0.014%; no homozygotes.

Submissions (3):

Ambry Genetics
Classification: Uncertain significance for Inborn genetic diseases. Last evaluated: 2025-03-27. Review status: criteria provided, single submitter. Criteria: Ambry Variant Classification Scheme 2023. Collection method: clinical testing. Allele origin: germline.

Fulgent Genetics
Classification: Uncertain significance for Autosomal recessive proximal renal tubular acidosis. Last evaluated: 2024-02-15. Review status: criteria provided, single submitter. Criteria: ACMG Guidelines, 2015. Collection method: clinical testing. Allele origin: germline.

Labcorp Genetics (formerly Invitae), Labcorp
Classification: Uncertain significance. Last evaluated: 2022-06-26. Review status: criteria provided, single submitter. Criteria: Invitae Variant Classification Sherloc (09022015). Collection method: clinical testing. Allele origin: germline.
Comment: In summary, the available evidence is currently insufficient to determine the role of this variant in disease. Therefore, it has been classified as a Variant of Uncertain Significance. Algorithms developed to predict the effect of sequence changes on RNA splicing suggest that this variant may create or strengthen a splice site. Algorithms developed to predict the effect of missense changes on protein structure and function (SIFT, PolyPhen-2, Align-GVGD) all suggest that this variant is likely to be tolerated. This variant has not been reported in the literature in individuals affected with SLC4A4-related conditions. This variant is present in population databases (rs775824815, gnomAD 0.007%). This sequence change replaces asparagine, which is neutral and polar, with serine, which is neutral and polar, at codon 643 of the SLC4A4 protein (p.Asn643Ser).